The following is an entry in ClinVar:

ClinVar aggregate classification (germline): Uncertain significance (1 of 4 stars; one submission).

gnomAD v4.1: 26 of 1,614,066 alleles (0.0016%); highest among the groups gnomAD compares: Middle Eastern, 0.016%; no homozygotes.

Submission:

Labcorp Genetics (formerly Invitae), Labcorp
Classification: Uncertain significance. Last evaluated: 2024-08-10. Review status: criteria provided, single submitter. Criteria: Invitae Variant Classification Sherloc (09022015). Collection method: clinical testing. Allele origin: germline.
Comment: This sequence change replaces aspartic acid, which is acidic and polar, with asparagine, which is neutral and polar, at codon 423 of the CARD8 protein (p.Asp423Asn). This variant is present in population databases (rs745911441, gnomAD 0.003%). This variant has not been reported in the literature in individuals affected with CARD8-related conditions. An algorithm developed to predict the effect of missense changes on protein structure and function (PolyPhen-2) suggests that this variant is likely to be disruptive. In summary, the available evidence is currently insufficient to determine the role of this variant in disease. Therefore, it has been classified as a Variant of Uncertain Significance.

NM_001184900.3(CARD8):c.1417G>A (p.Asp473Asn)

Gene: CARD8 (caspase recruitment domain family member 8; minus strand). Cytogenetic location: 19q13.33.
Variant type: single nucleotide variant.
Coding change: c.1417G>A on transcript NM_001184900.3 (MANE Select); coding-DNA position 1417, G replaced by A.
Protein change: p.Asp473Asn; replaces aspartic acid 473 with asparagine.
Molecular consequence: missense variant. On other transcripts: 3 prime UTR variant (7), non-coding transcript variant (3), intron variant (1).
Genome position (GRCh38, 1-based): chr19:48,211,907, C>T on the plus strand (G>A on the coding strand, the complement: CARD8 is on the minus strand). VCF-style: chr19-48211907-C-T. GRCh37 (hg19) VCF-style: chr19-48715164-C-T.
Other names: c.1267G>A, p.Asp423Asn (NM_001184901.1, NM_001351783.2, NM_014959.5); c.*96G>A (NM_001184902.2, NM_001184903.1, NM_001351788.2 and 4 more transcripts); c.1417G>A, p.Asp473Asn (NM_001351782.2); c.1102G>A, p.Asp368Asn (NM_001351784.2); c.1081G>A, p.Asp361Asn (NM_001351786.2); c.1099G>A, p.Asp367Asn (NM_001365950.1); c.1033+3433G>A (NM_001351787.2); short protein forms D361N, D367N, D368N, D423N, D473N.
Identifiers: ClinVar variation 3616376 (VCV003616376.2).